The following is an entry in ClinVar:

ClinVar aggregate classification (germline): Pathogenic (1 of 4 stars; one submission).

gnomAD v4.1: 1 of 1,614,118 alleles (0.000062%); highest among the groups gnomAD compares: Non-Finnish European, 0.000085%; no homozygotes.

Submission:

Labcorp Genetics (formerly Invitae), Labcorp
Classification: Pathogenic. Last evaluated: 2024-02-14. Review status: criteria provided, single submitter. Criteria: Invitae Variant Classification Sherloc (09022015). Collection method: clinical testing. Allele origin: germline.
Comment: This sequence change creates a premature translational stop signal (p.Glu471*) in the TMC1 gene. It is expected to result in an absent or disrupted protein product. Loss-of-function variants in TMC1 are known to be pathogenic (PMID: 11850618, 22105175). This variant is present in population databases (no rsID available, gnomAD 0.0009%). This variant has not been reported in the literature in individuals affected with TMC1-related conditions. For these reasons, this variant has been classified as Pathogenic.

Literature cited by the submitters: PubMed 11850618; PubMed 22105175.

NM_138691.3(TMC1):c.1411G>T (p.Glu471Ter)

Gene: TMC1 (transmembrane channel like 1; plus strand). Cytogenetic location: 9q21.13.
Variant type: single nucleotide variant.
Coding change: c.1411G>T on transcript NM_138691.3 (MANE Select); coding-DNA position 1411, G replaced by T.
Protein change: p.Glu471Ter; replaces glutamic acid 471 with a stop codon.
Molecular consequence: nonsense.
Genome position (GRCh38, 1-based): chr9:72,792,197, G>T. VCF-style: chr9-72792197-G-T. GRCh37 (hg19) VCF-style: chr9-75407113-G-T.
Other names: short protein forms E471*.
Identifiers: ClinVar variation 3640838 (VCV003640838.2).
Genomic context (GRCh38, chr9:72,792,197, plus strand): 5'-TGCCTTTGAAATCTCTGTTGTCTTCATTTTAGTTTCTATCTCTTTGCTTTCTAGATTGAA[G>T]AGGAGAAGCTAGTAAAGGCCAATATTACCCTTTGGGAAGCCAATATGATCAAGGCCTACA-3'